The following is an entry in ClinVar:

ClinVar aggregate classification (germline): Uncertain significance (1 of 4 stars; one submission).

Conditions:
Acromesomelic dysplasia 1, Maroteaux type (AMD1). Also called: ACROMESOMELIC DYSPLASIA 1; ST. HELENA DYSPLASIA. Identifiers: Orphanet 40, MedGen C1864356, MONDO:0011275, OMIM 602875.
Tall stature-scoliosis-macrodactyly of the great toes syndrome. Also called: Epiphyseal chondrodysplasia, miura type. Identifiers: Orphanet 329191, MedGen C4014690, MONDO:0014401, OMIM 615923.

Allele frequency attached by ClinVar (database versions not stated): gnomAD exomes below 0.00001; gnomAD 0.00001; TOPMed 0.00003.
gnomAD v4.1: 7 of 1,614,044 alleles (0.00043%); highest among the groups gnomAD compares: African/African-American, 0.0027%; no homozygotes.

Submission:

Labcorp Genetics (formerly Invitae), Labcorp
Classification: Uncertain significance for Tall stature-scoliosis-macrodactyly of the great toes syndrome; Acromesomelic dysplasia 1, Maroteaux type. Last evaluated: 2022-12-22. Review status: criteria provided, single submitter. Criteria: Invitae Variant Classification Sherloc (09022015). Collection method: clinical testing. Allele origin: germline.
Comment: This sequence change replaces alanine, which is neutral and non-polar, with threonine, which is neutral and polar, at codon 488 of the NPR2 protein (p.Ala488Thr). This variant is present in population databases (no rsID available, gnomAD 0.008%). In summary, the available evidence is currently insufficient to determine the role of this variant in disease. Therefore, it has been classified as a Variant of Uncertain Significance. This variant disrupts the p.Ala488 amino acid residue in NPR2. Other variant(s) that disrupt this residue have been determined to be pathogenic (PMID: 24259409). This suggests that this residue is clinically significant, and that variants that disrupt this residue are likely to be disease-causing. Advanced modeling of protein sequence and biophysical properties (such as structural, functional, and spatial information, amino acid conservation, physicochemical variation, residue mobility, and thermodynamic stability) performed at Invitae indicates that this missense variant is not expected to disrupt NPR2 protein function. This variant has not been reported in the literature in individuals affected with NPR2-related conditions.

Literature cited by the submitters: PubMed 24259409.

NM_003995.4(NPR2):c.1462G>A (p.Ala488Thr)

Gene: NPR2 (natriuretic peptide receptor 2; plus strand). Cytogenetic location: 9p13.3.
Variant type: single nucleotide variant.
Coding change: c.1462G>A on transcript NM_003995.4 (MANE Select); coding-DNA position 1462, G replaced by A.
Protein change: p.Ala488Thr; replaces alanine 488 with threonine.
Molecular consequence: missense variant.
Genome position (GRCh38, 1-based): chr9:35,801,668, G>A. VCF-style: chr9-35801668-G-A. GRCh37 (hg19) VCF-style: chr9-35801665-G-A.
Other names: c.1471G>A, p.Ala491Thr (NM_001378923.1); short protein forms A488T, A491T.
Identifiers: ClinVar variation 2933311 (VCV002933311.3), dbSNP rs587777597, ClinGen allele CA192767964.